The following is an entry in ClinVar:

NM_000719.7(CACNA1C):c.888G>C (p.Lys296Asn)

Gene: CACNA1C (calcium voltage-gated channel subunit alpha1 C; plus strand). Cytogenetic location: 12p13.33.
Variant type: single nucleotide variant.
Coding change: c.888G>C on transcript NM_000719.7 (MANE Select); coding-DNA position 888, G replaced by C.
Protein change: p.Lys296Asn; replaces lysine 296 with asparagine.
Molecular consequence: missense variant.
Genome position (GRCh38, 1-based): chr12:2,486,234, G>C. VCF-style: chr12-2486234-G-C. GRCh37 (hg19) VCF-style: chr12-2595400-G-C.
Other names: c.888G>C, p.Lys296Asn (NM_001129837.2, NM_001129838.2, NM_001129839.2 and 19 more transcripts); short protein forms K296N.
Identifiers: ClinVar variation 4854422 (VCV004854422.1).

ClinVar aggregate classification (germline): Uncertain significance (1 of 4 stars; one submission).

Conditions:
Neurodevelopmental disorder with hypotonia, language delay, and skeletal defects with or without seizures (NEDHLSS). Identifiers: MedGen C5774213, MONDO:0859286, OMIM 620029.

Submission:

3billion
Classification: Uncertain significance for Neurodevelopmental disorder with hypotonia, language delay, and skeletal defects with or without seizures. Last evaluated: 2025-12-16. Review status: criteria provided, single submitter. Criteria: ACMG Guidelines, 2015. Collection method: clinical testing. Allele origin: germline. Affected: yes.
Comment: The variant is not observed in the gnomAD v4.1.0 dataset. Predicted Consequence/Location: Missense variant. Missense changes are a common disease-causing mechanism. Therefore, this variant is classified as VUS according to the recommendation of ACMG/AMP guideline.